The following is an entry in ClinVar:

ClinVar aggregate classification (germline): Uncertain significance (1 of 4 stars; one submission).

Conditions:
Hereditary sensory neuropathy-deafness-dementia syndrome. Also called: NEUROPATHY, HEREDITARY SENSORY, WITH HEARING LOSS AND DEMENTIA; Hereditary Sensory and Autonomic Neuropathy Type 1E (HSAN1E); HSN IE; Hereditary sensory neuropathy type IE. Identifiers: Orphanet 456318, MedGen C3279885, MONDO:0013584, OMIM 614116.

Submission:

Labcorp Genetics (formerly Invitae), Labcorp
Classification: Uncertain significance for Hereditary sensory neuropathy-deafness-dementia syndrome. Last evaluated: 2024-06-08. Review status: criteria provided, single submitter. Criteria: Invitae Variant Classification Sherloc (09022015). Collection method: clinical testing. Allele origin: germline.
Comment: This sequence change replaces alanine, which is neutral and non-polar, with threonine, which is neutral and polar, at codon 188 of the DNMT1 protein (p.Ala188Thr). This variant is not present in population databases (gnomAD no frequency). This variant has not been reported in the literature in individuals affected with DNMT1-related conditions. Algorithms developed to predict the effect of missense changes on protein structure and function output the following: SIFT: "Not Available"; PolyPhen-2: "Benign"; Align-GVGD: "Not Available". The threonine amino acid residue is found in multiple mammalian species, which suggests that this missense change does not adversely affect protein function. In summary, the available evidence is currently insufficient to determine the role of this variant in disease. Therefore, it has been classified as a Variant of Uncertain Significance.

NM_001130823.3(DNMT1):c.562G>A (p.Ala188Thr)

Gene: DNMT1 (DNA methyltransferase 1; minus strand). Cytogenetic location: 19p13.2.
Variant type: single nucleotide variant.
Coding change: c.562G>A on transcript NM_001130823.3 (MANE Select); coding-DNA position 562, G replaced by A.
Protein change: p.Ala188Thr; replaces alanine 188 with threonine.
Molecular consequence: missense variant.
Genome position (GRCh38, 1-based): chr19:10,177,299, C>T on the plus strand (G>A on the coding strand, the complement: DNMT1 is on the minus strand). VCF-style: chr19-10177299-C-T. GRCh37 (hg19) VCF-style: chr19-10287975-C-T.
Other names: c.514G>A, p.Ala172Thr (NM_001318730.2, NM_001379.4); c.199G>A, p.Ala67Thr (NM_001318731.2); short protein forms A188T, A172T, A67T.
Identifiers: ClinVar variation 3655895 (VCV003655895.2).